The following is an entry in ClinVar:

NM_000540.3(RYR1):c.8617-4C>T

Gene: RYR1 (ryanodine receptor 1; plus strand). Cytogenetic location: 19q13.2.
Variant type: single nucleotide variant.
Coding change: c.8617-4C>T on transcript NM_000540.3 (MANE Select); 4 bases into the intron before coding-DNA position 8617, C replaced by T.
Molecular consequence: intron variant.
Genome position (GRCh38, 1-based): chr19:38,506,467, C>T. VCF-style: chr19-38506467-C-T. GRCh37 (hg19) VCF-style: chr19-38997107-C-T.
Other names: c.8617-4C>T (NM_001042723.2).
Identifiers: ClinVar variation 2760424 (VCV002760424.5), dbSNP rs1703156766, ClinGen allele CA2335056664.

ClinVar aggregate classification (germline): Likely benign. Review status: criteria provided, multiple submitters, no conflicts (2 of 4 stars). 3 submissions from 3 submitters: Likely benign (3). Last evaluated 2025-07-09.

Conditions:
Malignant hyperthermia, susceptibility to, 1 (MHS1). Also called: Malignant hyperthermia suceptibility 1; Anesthesia related hyperthermia; Malignant hyperpyrexia; Fulminating hyperpyrexia; Pharmacogenic myopathy; RYR1-Related Malignant Hyperthermia Susceptibility. Identifiers: Orphanet 423, MedGen C2930980, MONDO:0007783, OMIM 145600.
RYR1-related disorder. Also called: RYR1-related condition; RYR1-related disorders. Identifiers: MedGen CN239331.

Allele frequency attached by ClinVar (database versions not stated): gnomAD exomes below 0.00001.
gnomAD v4.1: 4 of 1,614,088 alleles (0.00025%); highest among the groups gnomAD compares: Non-Finnish European, 0.00034%; no homozygotes.

Submissions (3):

Labcorp Genetics (formerly Invitae), Labcorp
Classification: Likely benign for RYR1-related disorder. Last evaluated: 2025-07-09. Review status: criteria provided, single submitter. Criteria: Invitae Variant Classification Sherloc (09022015). Collection method: clinical testing. Allele origin: germline.

All of Us Research Program, National Institutes of Health
Classification: Likely benign for Malignant hyperthermia, susceptibility to, 1. Last evaluated: 2023-06-08. Review status: criteria provided, single submitter. Criteria: ACMG Guidelines, 2015. Collection method: clinical testing. Allele origin: germline. Inheritance: Autosomal dominant inheritance. Observed: 1 variant allele, 1 heterozygote.
Comment: This study involves interpretation of variants in research participants for the purpose of population health screening. Participant phenotype was not available at the time of variant classification. Additional details can be found in publication PMID: 35346344, PMCID: PMC8962531

Color Diagnostics, LLC DBA Color Health
Classification: Likely benign for Malignant hyperthermia, susceptibility to, 1. Last evaluated: 2023-05-26. Review status: criteria provided, single submitter. Criteria: ACMG Guidelines, 2015. Collection method: clinical testing. Allele origin: germline.